The following is an entry in ClinVar:

ClinVar aggregate classification (germline): Uncertain significance (1 of 4 stars; one submission).

Conditions:
Developmental and epileptic encephalopathy, 76. Also called: EPILEPTIC ENCEPHALOPATHY, EARLY INFANTILE, 76; DEVELOPMENTAL DELAY, EPILEPTIC ENCEPHALOPATHY, CEREBRAL ATROPHY, AND ABNORMAL MYELINATION. Identifiers: MedGen C5193113, MONDO:0032768, OMIM 618468.

Submission:

3billion
Classification: Uncertain significance for Developmental and epileptic encephalopathy, 76. Last evaluated: 2024-07-31. Review status: criteria provided, single submitter. Criteria: ACMG Guidelines, 2015. Collection method: clinical testing. Allele origin: germline. Affected: yes.
Comment: The variant is not observed in the gnomAD v4.0.0 dataset. Predicted Consequence/Location: Intron variant In silico tools predict the variant to alter splicing and produce an abnormal transcript [SpliceAI: 0.93 (>=0.2, moderate evidence for spliceogenicity)]. Therefore, this variant is classified as VUS according to the recommendation of ACMG/AMP guideline.

NM_016188.5(ACTL6B):c.1017+7C>T

Gene: ACTL6B (actin like 6B; minus strand). Cytogenetic location: 7q22.1.
Variant type: single nucleotide variant.
Coding change: c.1017+7C>T on transcript NM_016188.5 (MANE Select); 7 bases into the intron after coding-DNA position 1017, C replaced by T.
Molecular consequence: intron variant.
Genome position (GRCh38, 1-based): chr7:100,646,744, G>A on the plus strand (C>T on the coding strand, the complement: ACTL6B is on the minus strand). VCF-style: chr7-100646744-G-A. GRCh37 (hg19) VCF-style: chr7-100244367-G-A.
Identifiers: ClinVar variation 4292821 (VCV004292821.1).
Genomic context (GRCh38, chr7:100,646,744, plus strand): 5'-CCCCCAACCCCGTCTCCCCACTTCCCCTGGGCCCCTTTGCCGAGCCTCAGCTCCGGCCTG[G>A]CCTCACCGGGCGAATATCAATGTCACACATGCCGATGCTGGTGGTCACCACGTGGCCCAC-3'